The following is an entry in ClinVar:

ClinVar aggregate classification (germline): Uncertain significance (1 of 4 stars; one submission).

Conditions:
Pitt-Hopkins-like syndrome 2 (PTHSL2). Identifiers: Orphanet 221150, Orphanet 600663, MedGen C3280479, MONDO:0013690, OMIM 614325.

Allele frequency attached by ClinVar (database versions not stated): gnomAD exomes below 0.00001 and 0.00001; ExAC 0.00001; gnomAD 0.00001; TOPMed 0.00002.
gnomAD v4.1: 11 of 1,611,788 alleles (0.00068%); highest among the groups gnomAD compares: African/African-American, 0.0013%; no homozygotes.

Submission:

Labcorp Genetics (formerly Invitae), Labcorp
Classification: Uncertain significance for Pitt-Hopkins-like syndrome 2. Last evaluated: 2025-12-01. Review status: criteria provided, single submitter. Criteria: Invitae Variant Classification Sherloc (09022015). Collection method: clinical testing. Allele origin: germline.
Comment: This sequence change replaces arginine, which is basic and polar, with tryptophan, which is neutral and slightly polar, at codon 1101 of the NRXN1 protein (p.Arg1101Trp). This variant is present in population databases (rs765632172, gnomAD 0.0009%). This variant has not been reported in the literature in individuals affected with NRXN1-related conditions. ClinVar contains an entry for this variant (Variation ID: 411166). An algorithm developed to predict the effect of missense changes on protein structure and function (PolyPhen-2) suggests that this variant is likely to be disruptive. In summary, the available evidence is currently insufficient to determine the role of this variant in disease. Therefore, it has been classified as a Variant of Uncertain Significance.

NM_001330078.2(NRXN1):c.3181C>T (p.Arg1061Trp)

Gene: NRXN1 (neurexin 1; minus strand). Cytogenetic location: 2p16.3.
Variant type: single nucleotide variant.
Coding change: c.3181C>T on transcript NM_001330078.2 (MANE Select); coding-DNA position 3181, C replaced by T.
Protein change: p.Arg1061Trp; replaces arginine 1061 with tryptophan.
Molecular consequence: missense variant.
Genome position (GRCh38, 1-based): chr2:50,472,361, G>A on the plus strand (C>T on the coding strand, the complement: NRXN1 is on the minus strand). VCF-style: chr2-50472361-G-A. GRCh37 (hg19) VCF-style: chr2-50699499-G-A.
Other names: c.3301C>T, p.Arg1101Trp (NM_001135659.3); c.3157C>T, p.Arg1053Trp (NM_001330077.2, NM_001330082.2); c.3115C>T, p.Arg1039Trp (NM_001330083.2, NM_001330084.2); c.3154C>T, p.Arg1052Trp (NM_001330085.2); c.3181C>T, p.Arg1061Trp (NM_001330086.2, NM_004801.6); c.3070C>T, p.Arg1024Trp (NM_001330087.2, NM_001330096.2); c.3100C>T, p.Arg1034Trp (NM_001330088.2); c.3178C>T, p.Arg1060Trp (NM_001330093.2); and 2 more; short protein forms R1101W, R1044W, R1052W, R1061W, R1053W, R1024W, R1034W, R1039W.
Identifiers: ClinVar variation 411166 (VCV000411166.8), dbSNP rs765632172, ClinGen allele CA1654650.